The following is an entry in ClinVar:

ClinVar aggregate classification (germline): Uncertain significance (1 of 4 stars; one submission).

Conditions:
Arrhythmogenic right ventricular cardiomyopathy (ARVD). Also called: Arrhythmogenic right ventricular dysplasia; Cardiomyopathy, ARVC; Arrhythmogenic cardiomyopathy; Arrhythmogenic Right Ventricular Cardiomyopathy (ARVC). Identifiers: Orphanet 247, MedGen C0349788, MeSH D019571, MONDO:0016587. Disease mechanism: loss of function. Inheritance: Various modes of inheritance.

Submission:

All of Us Research Program, National Institutes of Health
Classification: Uncertain significance for Arrhythmogenic right ventricular cardiomyopathy. Last evaluated: 2023-11-30. Review status: criteria provided, single submitter. Criteria: ACMG Guidelines, 2015. Collection method: clinical testing. Allele origin: germline. Inheritance: Autosomal dominant inheritance. Observed: 2 variant alleles, 2 heterozygotes.
Comment: This missense variant replaces histidine with arginine at codon 612 of the PKP2 protein. Computational prediction suggests that this variant may not impact protein structure and function (internally defined REVEL score threshold <= 0.5, PMID: 27666373). To our knowledge, functional studies have not been reported for this variant. This variant has not been reported in individuals affected with PKP2-related disorders in the literature. This variant has not been identified in the general population by the Genome Aggregation Database (gnomAD). The available evidence is insufficient to determine the role of this variant in disease conclusively. Therefore, this variant is classified as a Variant of Uncertain Significance.

This study involves interpretation of variants in research participants for the purpose of population health screening. Participant phenotype was not available at the time of variant classification. Additional details can be found in publication PMID: 35346344, PMCID: PMC8962531

NM_001005242.3(PKP2):c.1703A>G (p.His568Arg)

Gene: PKP2 (plakophilin 2; minus strand). Cytogenetic location: 12p11.21.
Variant type: single nucleotide variant.
Coding change: c.1703A>G on transcript NM_001005242.3 (MANE Select); coding-DNA position 1703, A replaced by G.
Protein change: p.His568Arg; replaces histidine 568 with arginine.
Molecular consequence: missense variant. On other transcripts: intron variant (1).
Genome position (GRCh38, 1-based): chr12:32,822,603, T>C on the plus strand (A>G on the coding strand, the complement: PKP2 is on the minus strand). VCF-style: chr12-32822603-T-C. GRCh37 (hg19) VCF-style: chr12-32975537-T-C.
Other names: c.1703A>G, p.His568Arg (NM_001407155.1, NM_001407161.1); c.1835A>G, p.His612Arg (NM_001407157.1, NM_004572.4); c.1376A>G, p.His459Arg (NM_001407158.1, NM_001407159.1, NM_001407160.1 and 1 more transcripts); c.1675-1074A>G (NM_001407156.1); short protein forms H459R, H568R, H612R.
Identifiers: ClinVar variation 3071995 (VCV003071995.1), dbSNP rs2541232016, ClinGen allele CA384363487.